The following is an entry in ClinVar:

NM_016343.4(CENPF):c.1896G>A (p.Gln632=)

Gene: CENPF (centromere protein F; plus strand). Cytogenetic location: 1q41.
Variant type: single nucleotide variant.
Coding change: c.1896G>A on transcript NM_016343.4 (MANE Select); coding-DNA position 1896, G replaced by A.
Protein change: p.Gln632=; no amino-acid change (glutamine 632 retained).
Molecular consequence: synonymous variant.
Genome position (GRCh38, 1-based): chr1:214,640,234, G>A. VCF-style: chr1-214640234-G-A. GRCh37 (hg19) VCF-style: chr1-214813577-G-A.
Identifiers: ClinVar variation 2639890 (VCV002639890.24), dbSNP rs1658072152, ClinGen allele CA423425614.

ClinVar aggregate classification (germline): Likely benign (1 of 4 stars; one submission).

Submission:

CeGaT Center for Human Genetics Tuebingen
Classification: Likely benign. Last evaluated: 2022-10-01. Review status: criteria provided, single submitter. Criteria: CeGaT Center For Human Genetics Tuebingen Variant Classification Criteria Version 2. Collection method: clinical testing. Allele origin: germline. Affected: yes. Observed: 1 variant allele.
Comment: CENPF: PM2:Supporting, BP4, BP7